The following is an entry in ClinVar:

ClinVar aggregate classification (germline): Benign (1 of 4 stars; one submission).

Conditions:
Erythrocytosis, familial, 4 (ECYT4). Identifiers: Orphanet 247511, MedGen C2673187, MONDO:0012729, OMIM 611783.

Allele frequency attached by ClinVar (database versions not stated): gnomAD 0.00284 and 0.00288; 1000 Genomes Project 30x 0.00359; 1000 Genomes Project 0.00439; TOPMed 0.00296.

Submission:

Illumina Laboratory Services, Illumina
Classification: Benign for Erythrocytosis, familial, 4. Last evaluated: 2018-01-13. Review status: criteria provided, single submitter. Criteria: ICSL Variant Classification Criteria 13 December 2019. Collection method: clinical testing. Allele origin: germline.
Comment: This variant was observed in the ICSL laboratory as part of a predisposition screen in an ostensibly healthy population. It had not been previously curated by ICSL or reported in the Human Gene Mutation Database (HGMD: prior to June 1st, 2018), and was therefore a candidate for classification through an automated scoring system. Utilizing variant allele frequency, disease prevalence and penetrance estimates, and inheritance mode, an automated score was calculated to assess if this variant is too frequent to cause the disease. Based on the score and internal cut-off values, a variant classified as benign is not then subjected to further curation. The score for this variant resulted in a classification of benign for this disease.

NM_001430.5(EPAS1):c.*575A>C

Gene: EPAS1 (endothelial PAS domain protein 1; plus strand). Cytogenetic location: 2p21.
Variant type: single nucleotide variant.
Coding change: c.*575A>C on transcript NM_001430.5 (MANE Select); 575 bases downstream of the stop codon, A replaced by C.
Molecular consequence: 3 prime UTR variant.
Genome position (GRCh38, 1-based): chr2:46,385,235, A>C. VCF-style: chr2-46385235-A-C. GRCh37 (hg19) VCF-style: chr2-46612374-A-C.
Identifiers: ClinVar variation 898967 (VCV000898967.4), dbSNP rs112556309, ClinGen allele CA46571790.